The following is an entry in ClinVar:

NM_000540.3(RYR1):c.14680G>C (p.Ala4894Pro)

Gene: RYR1 (ryanodine receptor 1; plus strand). Cytogenetic location: 19q13.2.
Variant type: single nucleotide variant.
Coding change: c.14680G>C on transcript NM_000540.3 (MANE Select); coding-DNA position 14680, G replaced by C.
Protein change: p.Ala4894Pro; replaces alanine 4894 with proline.
Molecular consequence: missense variant.
Genome position (GRCh38, 1-based): chr19:38,584,976, G>C. VCF-style: chr19-38584976-G-C. GRCh37 (hg19) VCF-style: chr19-39075616-G-C.
Other names: c.14665G>C, p.Ala4889Pro (NM_001042723.2); short protein forms A4894P, A4889P.
Identifiers: ClinVar variation 133088 (VCV000133088.7), dbSNP rs193922888, ClinGen allele CA024227.

ClinVar aggregate classification (germline): Conflicting classifications of pathogenicity. Review status: criteria provided, conflicting classifications (1 of 4 stars). 3 submissions from 3 submitters: Likely pathogenic (1); Uncertain significance (1). 1 of the submissions does not count toward it. Last evaluated 2024-09-09.

Conditions:
RYR1-related disorder. Also called: RYR1-related condition; RYR1-related disorders. Identifiers: MedGen CN239331.

Submissions (3):

Labcorp Genetics (formerly Invitae), Labcorp
Classification: Likely pathogenic for RYR1-related disorder. Last evaluated: 2024-09-09. Review status: criteria provided, single submitter. Criteria: Invitae Variant Classification Sherloc (09022015). Collection method: clinical testing. Allele origin: germline.
Comment: This sequence change replaces alanine, which is neutral and non-polar, with proline, which is neutral and non-polar, at codon 4894 of the RYR1 protein (p.Ala4894Pro). This variant is not present in population databases (gnomAD no frequency). This missense change has been observed in individuals with clinical features of autosomal dominant centronuclear myopathy (PMID: 17538032, 35428369). ClinVar contains an entry for this variant (Variation ID: 133088). Invitae Evidence Modeling of protein sequence and biophysical properties (such as structural, functional, and spatial information, amino acid conservation, physicochemical variation, residue mobility, and thermodynamic stability) indicates that this missense variant is expected to disrupt RYR1 protein function with a positive predictive value of 95%. Experimental studies are conflicting or provide insufficient evidence to determine the effect of this variant on RYR1 function (PMID: 21926372). This variant disrupts the p.Ala4894 amino acid residue in RYR1. Other variant(s) that disrupt this residue have been observed in individuals with RYR1-related conditions (PMID: 29556213), which suggests that this may be a clinically significant amino acid residue. In summary, the currently available evidence indicates that the variant is pathogenic, but additional data are needed to prove that conclusively. Therefore, this variant has been classified as Likely Pathogenic.

Eurofins Ntd Llc (ga)
Classification: Uncertain significance. Last evaluated: 2015-03-23. Review status: criteria provided, single submitter. Criteria: EGL Classification Definitions 2015. Collection method: clinical testing. Allele origin: germline. Observed: 1 variant allele, 1 heterozygote.

RYR1 database
No classification provided. Review status: no classification provided. Collection method: not provided. Allele origin: unknown. Not counted in ClinVar's aggregate classification.

Literature cited by the submitters: PubMed 17538032 (cited by Labcorp Genetics (formerly Invitae), Labcorp and Eurofins Ntd Llc (ga)); PubMed 35428369 (cited by Labcorp Genetics (formerly Invitae), Labcorp); PubMed 21926372 (cited by Labcorp Genetics (formerly Invitae), Labcorp and Eurofins Ntd Llc (ga)); PubMed 29556213 (cited by Labcorp Genetics (formerly Invitae), Labcorp).